The following is an entry in ClinVar:

NM_001042367.2(REC114):c.547-3C>T

Gene: REC114 (REC114 meiotic recombination protein; plus strand). Cytogenetic location: 15q24.1.
Variant type: single nucleotide variant.
Coding change: c.547-3C>T on transcript NM_001042367.2 (MANE Select); 3 bases into the intron before coding-DNA position 547, C replaced by T.
Molecular consequence: intron variant.
Genome position (GRCh38, 1-based): chr15:73,556,299, C>T. VCF-style: chr15-73556299-C-T. GRCh37 (hg19) VCF-style: chr15-73848640-C-T.
Other names: NC_000015.9:g.73848640C>T; c.463-3C>T (NM_001348772.2).
Identifiers: ClinVar variation 783715 (VCV000783715.7), dbSNP rs74488445, ClinGen allele CA7649709.

ClinVar aggregate classification (germline): Benign. Review status: criteria provided, multiple submitters, no conflicts (2 of 4 stars). 3 submissions from 3 submitters: Benign (2). 1 of the submissions does not count toward it. Last evaluated 2018-12-26.

Conditions:
REC114-related disorder. Also called: REC114-related condition.

Allele frequency attached by ClinVar (database versions not stated): gnomAD exomes 0.00168 and 0.00429; ExAC 0.00529; gnomAD 0.01676 and 0.01801; ESP Exome Variant Server 0.01803; TOPMed 0.01870; 1000 Genomes Project 0.02177; 1000 Genomes Project 30x 0.02420.
gnomAD v4.1: 5,079 of 1,612,024 alleles (0.32%); highest among the groups gnomAD compares: African/African-American, 5.7%; 146 homozygotes.

Submissions (7):

Labcorp Genetics (formerly Invitae), Labcorp
Classification: Benign. Last evaluated: 2018-12-26. Review status: criteria provided, single submitter. Criteria: Invitae Variant Classification Sherloc (09022015). Collection method: clinical testing. Allele origin: germline.

Breakthrough Genomics
Classification: Benign. Review status: criteria provided, single submitter. Criteria: ACMG Guidelines, 2015. Collection method: not provided. Allele origin: germline. Inheritance: Autosomal recessive inheritance. Affected: yes.

PreventionGenetics, part of Exact Sciences
Classification: Benign for REC114-related condition. Last evaluated: 2019-02-21. Review status: no assertion criteria provided. Collection method: clinical testing. Allele origin: germline. Not counted in ClinVar's aggregate classification.
Comment: This variant is classified as benign based on ACMG/AMP sequence variant interpretation guidelines (Richards et al. 2015 PMID: 25741868, with internal and published modifications).

Dr. Peter K. Rogan Lab, Western University
No classification provided (evidence only). Condition: Uterine corpus endometrial carcinoma. Review status: no classification provided. Collection method: in vitro. Allele origin: not applicable. Functional consequence: retained intron. Not counted in ClinVar's aggregate classification.

Dr. Peter K. Rogan Lab, Western University
No classification provided (evidence only). Condition: Uterine corpus endometrial carcinoma. Review status: no classification provided. Collection method: in vitro. Allele origin: not applicable. Functional consequence: retained intron. Not counted in ClinVar's aggregate classification.

Dr. Peter K. Rogan Lab, Western University
No classification provided (evidence only). Condition: Cervical cancer. Review status: no classification provided. Collection method: in vitro. Allele origin: not applicable. Functional consequence: retained intron. Not counted in ClinVar's aggregate classification.

Dr. Peter K. Rogan Lab, Western University
No classification provided (evidence only). Condition: Ovarian serous cystadenocarcinoma. Review status: no classification provided. Collection method: in vitro. Allele origin: not applicable. Functional consequence: retained intron. Not counted in ClinVar's aggregate classification.